The following is an entry in ClinVar:

NM_004629.2(FANCG):c.1183_1192del (p.Glu395fs)

Gene: FANCG (FA complementation group G; minus strand). Cytogenetic location: 9p13.3.
Variant type: Deletion.
Coding change: c.1183_1192del on transcript NM_004629.2 (MANE Select); coding-DNA positions 1183 to 1192, 10 bases deleted (GAGGTGTTTT; older notation c.1183_1192delGAGGTGTTTT).
Protein change: p.Glu395fs; shifts the reading frame from glutamic acid 395.
Molecular consequence: frameshift variant.
Genome position (GRCh38, 1-based): chr9:35,075,706-35,075,715, AAAACACCTC deleted on the plus strand (GAGGTGTTTT on the coding strand, the reverse complement: FANCG is on the minus strand); deleting any 10 consecutive bases within chr9:35,075,706-35,075,716 gives the same sequence; the c. name uses the placement nearest the transcript's 3' end. VCF-style (leftmost placement, unchanged base first): chr9-35075705-AAAAACACCTC-A. GRCh37 (hg19) VCF-style: chr9-35075702-AAAAACACCTC-A.
Other names: 1184-1194del; c.1183_1192del10 (NM_004629.2); short protein forms E395fs.
Identifiers: ClinVar variation 41224 (VCV000041224.7), dbSNP rs397507559, ClinGen allele CA344229.

ClinVar aggregate classification (germline): Pathogenic. Review status: criteria provided, multiple submitters, no conflicts (2 of 4 stars). 3 submissions from 3 submitters: Pathogenic (2). 1 of the submissions does not count toward it. Last evaluated 2024-08-27.

Conditions:
FANCG-related disorders.
Fanconi anemia (FA). Also called: Fanconi's anemia. Identifiers: Orphanet 84, MedGen C0015625, MeSH D005199, MONDO:0019391.
Fanconi anemia complementation group G. Also called: Fanconi anemia group G; FANCG-Related Fanconi Anemia. Identifiers: Orphanet 84, MedGen C3469527, MONDO:0013565, OMIM 614082.

Submissions (3):

Blueprint Genetics
Classification: Pathogenic for FANCG-related disorders. Last evaluated: 2024-08-27. Review status: criteria provided, single submitter. Criteria: ACMG Guidelines, 2015. Collection method: clinical testing. Allele origin: germline. Affected: yes. Observed: 5 variant alleles.

Labcorp Genetics (formerly Invitae), Labcorp
Classification: Pathogenic for Fanconi anemia. Last evaluated: 2024-05-29. Review status: criteria provided, single submitter. Criteria: Invitae Variant Classification Sherloc (09022015). Collection method: clinical testing. Allele origin: germline.
Comment: This sequence change creates a premature translational stop signal (p.Glu395Trpfs*5) in the FANCG gene. It is expected to result in an absent or disrupted protein product. Loss-of-function variants in FANCG are known to be pathogenic (PMID: 12552564). This variant is present in population databases (rs397507559, gnomAD 0.02%). This premature translational stop signal has been observed in individual(s) with Fanconi anemia (PMID: 11093276, 24584348). ClinVar contains an entry for this variant (Variation ID: 41224). Algorithms developed to predict the effect of sequence changes on RNA splicing suggest that this variant may create or strengthen a splice site. For these reasons, this variant has been classified as Pathogenic.

GeneReviews
No classification provided. Condition: Fanconi anemia complementation group G. Review status: no classification provided. Collection method: literature only. Allele origin: germline. Not counted in ClinVar's aggregate classification.

Literature cited by the submitters: PubMed 12552564 (cited by Labcorp Genetics (formerly Invitae), Labcorp); PubMed 11093276 (cited by Labcorp Genetics (formerly Invitae), Labcorp and GeneReviews); PubMed 24584348 (cited by Labcorp Genetics (formerly Invitae), Labcorp); PubMed 20301575 (cited by GeneReviews).